The following is an entry in ClinVar:

NM_004006.3(DMD):c.8944del (p.Arg2982fs)

Gene: DMD (dystrophin; minus strand). Cytogenetic location: Xp21.2.
Variant type: Deletion.
Coding change: c.8944del on transcript NM_004006.3 (MANE Select); coding-DNA position 8944, one base deleted (C; older notation c.8944delC).
Protein change: p.Arg2982fs; shifts the reading frame from arginine 2982.
Molecular consequence: frameshift variant.
Genome position (GRCh38, 1-based): chrX:31,444,621, G deleted on the plus strand (C on the coding strand, the reverse complement: DMD is on the minus strand). VCF-style (leftmost placement, unchanged base first): chrX-31444620-CG-C. GRCh37 (hg19) VCF-style: chrX-31462737-CG-C.
Other names: c.8920del, p.Arg2974fs (NM_000109.4); c.8932del, p.Arg2978fs (NM_004009.3); c.8575del, p.Arg2859fs (NM_004010.3); c.4921del, p.Arg1641fs (NM_004011.4); c.4912del, p.Arg1638fs (NM_004012.4); c.1564del, p.Arg522fs (NM_004013.3, NM_004020.4, NM_004021.3 and 2 more transcripts); c.757del, p.Arg253fs (NM_004014.3); short protein forms R1638fs, R1641fs, R253fs, R2859fs, R2974fs, R2978fs, R2982fs, R522fs.
Identifiers: ClinVar variation 1806430 (VCV001806430.1), dbSNP rs2524523366, ClinGen allele CA2580100581.

ClinVar aggregate classification (germline): Likely pathogenic (1 of 4 stars; one submission).

Conditions:
Duchenne muscular dystrophy (DMD). Also called: MUSCULAR DYSTROPHY, PSEUDOHYPERTROPHIC PROGRESSIVE, DUCHENNE TYPE; Duchenne Muscular Dystrophy (DMD). Identifiers: Orphanet 98896, MedGen C0013264, MONDO:0010679, OMIM 310200.

Submission:

Laboratory of Medical Genetics, National & Kapodistrian University of Athens
Classification: Likely pathogenic for Duchenne muscular dystrophy. Last evaluated: 2022-12-16. Review status: criteria provided, single submitter. Criteria: ACMG Guidelines, 2015. Collection method: clinical testing. Allele origin: germline. Affected: yes.
Comment: PVS1, PM2